The following is an entry in ClinVar:

NM_000245.4(MET):c.1019A>G (p.Asp340Gly)

Gene: MET (MET proto-oncogene, receptor tyrosine kinase; plus strand). Cytogenetic location: 7q31.2.
Variant type: single nucleotide variant.
Coding change: c.1019A>G on transcript NM_000245.4 (MANE Select); coding-DNA position 1019, A replaced by G.
Protein change: p.Asp340Gly; replaces aspartic acid 340 with glycine.
Molecular consequence: missense variant. On other transcripts: intron variant (1).
Genome position (GRCh38, 1-based): chr7:116,700,103, A>G. VCF-style: chr7-116700103-A-G. GRCh37 (hg19) VCF-style: chr7-116340157-A-G.
Other names: c.1019A>G, p.Asp340Gly (NM_001127500.3, NM_001324401.3); c.-91+27526A>G (NM_001324402.2); c.1019A>G (NM_001127500.2); short protein forms D340G.
Identifiers: ClinVar variation 41608 (VCV000041608.28), dbSNP rs200690492, ClinGen allele CA215608.

ClinVar aggregate classification (germline): Conflicting classifications of pathogenicity. Review status: criteria provided, conflicting classifications (1 of 4 stars). 8 submissions from 8 submitters: Uncertain significance (6); Likely benign (1). 1 of the submissions does not count toward it. Last evaluated 2026-09-11.

Conditions:
MET-related disorder. Also called: MET-related condition.
Renal cell carcinoma. Identifiers: Orphanet 217071, MedGen C0007134, MeSH D002292, MONDO:0005086, HP:0005584.
Autosomal recessive nonsyndromic hearing loss 97. Also called: Deafness, autosomal recessive 97. Identifiers: Orphanet 90636, MedGen C4084709, MONDO:0014739, OMIM 616705.
Hereditary cancer-predisposing syndrome. Also called: Neoplastic Syndromes, Hereditary; Tumor predisposition; Hereditary Cancer Syndrome; Hereditary neoplastic syndrome. Identifiers: Orphanet 140162, MedGen C0027672, MeSH D009386, MONDO:0015356.

Allele frequency attached by ClinVar (database versions not stated): gnomAD 0.00005 and 0.00004; ExAC 0.00001; ESP Exome Variant Server 0.00008; gnomAD exomes 0.00003 and 0.00001; TOPMed 0.00004.
gnomAD v4.1: 47 of 1,610,322 alleles (0.0029%); highest among the groups gnomAD compares: Non-Finnish European, 0.0036%; no homozygotes.

Submissions (8):

PreventionGenetics, part of Exact Sciences
Classification: Uncertain significance for MET-related condition. Last evaluated: 2026-09-11. Review status: criteria provided, single submitter. Criteria: ACMG Guidelines, 2015. Collection method: clinical testing. Allele origin: germline.
Comment: The MET c.1019A>G variant is predicted to result in the amino acid substitution p.Asp340Gly. To our knowledge, this variant has not been reported in the literature in individuals affected with MET-related conditions. This variant is reported in 0.0016% of alleles in individuals of European (Non-Finnish) descent in gnomAD and has conflicting interpretations in ClinVar ranging from likely benign to uncertain (Variation ID: 41608). At this time, the clinical significance of this variant is uncertain due to the absence of conclusive functional and genetic evidence.

GeneDx
Classification: Uncertain significance. Last evaluated: 2025-05-29. Review status: criteria provided, single submitter. Criteria: GeneDx Variant Classification Process June 2021. Collection method: clinical testing. Allele origin: germline. Affected: yes.
Comment: Not observed at significant frequency in large population cohorts (gnomAD); In silico analysis supports that this missense variant has a deleterious effect on protein structure/function; Observed in an individual with atherosclerosis and unspecified cancer history (PMID: 22703879); This variant is associated with the following publications: (PMID: 22703879)

Ambry Genetics
Classification: Likely benign for Hereditary cancer-predisposing syndrome. Last evaluated: 2025-05-08. Review status: criteria provided, single submitter. Criteria: Ambry Variant Classification Scheme 2023. Collection method: clinical testing. Allele origin: germline.

Quest Diagnostics Nichols Institute San Juan Capistrano
Classification: Uncertain significance. Last evaluated: 2025-05-08. Review status: criteria provided, single submitter. Criteria: Quest Diagnostics criteria. Collection method: clinical testing. Allele origin: unknown.

Labcorp Genetics (formerly Invitae), Labcorp
Classification: Uncertain significance for Renal cell carcinoma. Last evaluated: 2025-01-25. Review status: criteria provided, single submitter. Criteria: Invitae Variant Classification Sherloc (09022015). Collection method: clinical testing. Allele origin: germline.
Comment: This sequence change replaces aspartic acid, which is acidic and polar, with glycine, which is neutral and non-polar, at codon 340 of the MET protein (p.Asp340Gly). This variant is present in population databases (rs200690492, gnomAD 0.003%). This variant has not been reported in the literature in individuals affected with MET-related conditions. ClinVar contains an entry for this variant (Variation ID: 41608). Invitae Evidence Modeling of protein sequence and biophysical properties (such as structural, functional, and spatial information, amino acid conservation, physicochemical variation, residue mobility, and thermodynamic stability) has been performed for this missense variant. However, the output from this modeling did not meet the statistical confidence thresholds required to predict the impact of this variant on MET protein function. In summary, the available evidence is currently insufficient to determine the role of this variant in disease. Therefore, it has been classified as a Variant of Uncertain Significance.

Baylor Genetics
Classification: Uncertain significance for Autosomal recessive nonsyndromic hearing loss 97. Last evaluated: 2024-03-21. Review status: criteria provided, single submitter. Criteria: ACMG Guidelines, 2015. Collection method: clinical testing. Allele origin: unknown.

Eurofins Ntd Llc (ga)
Classification: Uncertain significance. Last evaluated: 2013-04-24. Review status: criteria provided, single submitter. Criteria: EGL Classification Definitions 2015. Collection method: clinical testing. Allele origin: germline. Observed: 1 variant allele, 1 heterozygote.

Biesecker Lab/Clinical Genomics Section, National Institutes of Health
Classification: Uncertain significance. Last evaluated: 2012-07-13. Review status: no assertion criteria provided. Collection method: research. Allele origin: germline. Affected: no. Observed: 1 variant allele. Study: ClinSeq. Not counted in ClinVar's aggregate classification.
ClinVar note: Converted during submission from variant of unknown significance to Uncertain significance.